The following is an entry in ClinVar:

NM_017999.5(RNF31):c.991G>C (p.Gly331Arg)

Gene: RNF31 (ring finger protein 31; plus strand). Cytogenetic location: 14q12.
Variant type: single nucleotide variant.
Coding change: c.991G>C on transcript NM_017999.5 (MANE Select); coding-DNA position 991, G replaced by C.
Protein change: p.Gly331Arg; replaces glycine 331 with arginine.
Molecular consequence: missense variant.
Genome position (GRCh38, 1-based): chr14:24,150,242, G>C. VCF-style: chr14-24150242-G-C. GRCh37 (hg19) VCF-style: chr14-24619451-G-C.
Other names: c.538G>C, p.Gly180Arg (NM_001310332.2); short protein forms G331R, G180R.
Identifiers: ClinVar variation 1717777 (VCV001717777.6), dbSNP rs1341406084, ClinGen allele CA389291589.

ClinVar aggregate classification (germline): Uncertain significance (1 of 4 stars; one submission).

Allele frequency attached by ClinVar (database versions not stated): gnomAD exomes below 0.00001; TOPMed below 0.00001; gnomAD 0.00001.
gnomAD v4.1: 2 of 1,614,086 alleles (0.00012%); highest among the groups gnomAD compares: East Asian, 0.0022%; no homozygotes.

Submission:

Labcorp Genetics (formerly Invitae), Labcorp
Classification: Uncertain significance. Last evaluated: 2022-08-22. Review status: criteria provided, single submitter. Criteria: Invitae Variant Classification Sherloc (09022015). Collection method: clinical testing. Allele origin: germline.
Comment: In summary, the available evidence is currently insufficient to determine the role of this variant in disease. Therefore, it has been classified as a Variant of Uncertain Significance. Algorithms developed to predict the effect of missense changes on protein structure and function (SIFT, PolyPhen-2, Align-GVGD) all suggest that this variant is likely to be tolerated. This variant has not been reported in the literature in individuals affected with RNF31-related conditions. This variant is not present in population databases (gnomAD no frequency). This sequence change replaces glycine, which is neutral and non-polar, with arginine, which is basic and polar, at codon 331 of the RNF31 protein (p.Gly331Arg).